The following is an entry in ClinVar:

NM_001199397.3(NEK1):c.1334A>G (p.His445Arg)

Gene: NEK1 (NIMA related kinase 1; minus strand). Cytogenetic location: 4q33.
Variant type: single nucleotide variant.
Coding change: c.1334A>G on transcript NM_001199397.3 (MANE Select); coding-DNA position 1334, A replaced by G.
Protein change: p.His445Arg; replaces histidine 445 with arginine.
Molecular consequence: missense variant. On other transcripts: non-coding transcript variant (1).
Genome position (GRCh38, 1-based): chr4:169,556,028, T>C on the plus strand (A>G on the coding strand, the complement: NEK1 is on the minus strand). VCF-style: chr4-169556028-T-C. GRCh37 (hg19) VCF-style: chr4-170477179-T-C.
Other names: c.1334A>G, p.His445Arg (NM_001199398.3, NM_001199400.3, NM_001374418.1 and 2 more transcripts); c.1259A>G, p.His420Arg (NM_001199399.3); c.1283A>G, p.His428Arg (NM_001374420.1); c.1208A>G, p.His403Arg (NM_001374421.1); c.1334A>G (NM_012224.3, NM_012224.2); short protein forms H403R, H420R, H428R, H445R.
Identifiers: ClinVar variation 1029246 (VCV001029246.14), dbSNP rs574204412, ClinGen allele CA3137765.
Genomic context (GRCh38, chr4:169,556,028, plus strand): 5'-CATTTAGCTTCATTATCTTCTGCTCTTTGTTGCTGCATTTGGTCAAAAATGGCATGGTAA[T>C]GTTCATACTGTCCTCGAGAAGAAAAAGATGATGGAGCTATAGTCCCTCCACTGCCCAGAA-3'
Protein context (NP_001186326.1, residues 435-455): SSFSSRGQYE[His445Arg]YHAIFDQMQQ

ClinVar aggregate classification (germline): Conflicting classifications of pathogenicity. Review status: criteria provided, conflicting classifications (1 of 4 stars). 5 submissions from 5 submitters: Uncertain significance (3); Likely benign (1). 1 of the submissions does not count toward it. Last evaluated 2025-11-20.

Conditions:
Inborn genetic diseases. Identifiers: MedGen C0950123, MeSH D030342.
Short-rib thoracic dysplasia 6 with or without polydactyly (SRTD6). Also called: POLYDACTYLY WITH NEONATAL CHONDRODYSTROPHY, TYPE II; Majewski Syndrome; SHORT-RIB THORACIC DYSPLASIA 6 WITH POLYDACTYLY; SHORT-RIB THORACIC DYSPLASIA 6 WITHOUT POLYDACTYLY; SHORT RIB-POLYDACTYLY SYNDROME, TYPE IIA. Identifiers: MedGen C0024507, MONDO:0009894, OMIM 263520.

Allele frequency attached by ClinVar (database versions not stated): gnomAD below 0.00001 and 0.00005; TOPMed 0.00001; gnomAD exomes 0.00007 and 0.00015; ExAC 0.00015; 1000 Genomes Project 0.00060; 1000 Genomes Project 30x 0.00062.
gnomAD v4.1: 109 of 1,613,792 alleles (0.0068%); highest among the groups gnomAD compares: South Asian, 0.11%; no homozygotes.

Submissions (5):

Ambry Genetics
Classification: Uncertain significance for Inborn genetic diseases. Last evaluated: 2025-11-20. Review status: criteria provided, single submitter. Criteria: Ambry Variant Classification Scheme 2023. Collection method: clinical testing. Allele origin: germline.

Labcorp Genetics (formerly Invitae), Labcorp
Classification: Likely benign for Short-rib thoracic dysplasia 6 with or without polydactyly. Last evaluated: 2025-11-05. Review status: criteria provided, single submitter. Criteria: Invitae Variant Classification Sherloc (09022015). Collection method: clinical testing. Allele origin: germline.

Baylor Genetics
Classification: Uncertain significance for Short-rib thoracic dysplasia 6 with or without polydactyly. Last evaluated: 2020-04-17. Review status: criteria provided, single submitter. Criteria: ACMG Guidelines, 2015. Collection method: clinical testing. Allele origin: unknown. Affected: yes.
Comment: This variant was determined to be of uncertain significance according to ACMG Guidelines, 2015 [PMID:25741868].

Revvity Omics, Revvity
Classification: Uncertain significance for Short-rib thoracic dysplasia 6 with or without polydactyly. Last evaluated: 2020-02-05. Review status: criteria provided, single submitter. Criteria: ACMG Guidelines, 2015. Collection method: clinical testing. Allele origin: germline.

Neuberg Centre For Genomic Medicine, NCGM
Classification: Likely pathogenic for Short-rib thoracic dysplasia 6 with or without polydactyly. Review status: flagged submission. Criteria: ACMG Guidelines, 2015. Collection method: clinical testing. Allele origin: germline. Inheritance: Autosomal recessive inheritance. Affected: yes. Not counted in ClinVar's aggregate classification.
Comment: The missense variant c.1334A>G (p.His445Arg) in the NEK1 gene has not been reported previously as a pathogenic variant nor as a benign variant, to our knowledge. This variant is reported with the allele frequency of 0.02% in the gnomAD Exomes and 0.06% in 1000 genome database. The amino acid Histidine at position 445 is changed to a Arginine changing protein sequence and it might alter its composition and physico-chemical properties. The residue is predicted as conserved by GERP++ and PhyloP across 100 vertebrates. For these reasons, this variant has been classified as Uncertain Significance.
ClinVar note: Notes: Lab calls variant uncertain significance in evidence summary but submitted an interpretation of likely pathogenic.
ClinVar note: Reason: Other submission error